The following is an entry in ClinVar:

NM_000143.4(FH):c.264G>C (p.Met88Ile)

Gene: FH (fumarate hydratase; minus strand). Cytogenetic location: 1q43.
Variant type: single nucleotide variant.
Coding change: c.264G>C on transcript NM_000143.4 (MANE Select); coding-DNA position 264, G replaced by C.
Protein change: p.Met88Ile; replaces methionine 88 with isoleucine.
Molecular consequence: missense variant.
Genome position (GRCh38, 1-based): chr1:241,517,185, C>G on the plus strand (G>C on the coding strand, the complement: FH is on the minus strand). VCF-style: chr1-241517185-C-G. GRCh37 (hg19) VCF-style: chr1-241680485-C-G.
Other names: short protein forms M88I.
Identifiers: ClinVar variation 1499395 (VCV001499395.8), dbSNP rs2147925082, ClinGen allele CA345441617.

ClinVar aggregate classification (germline): Uncertain significance (1 of 4 stars; one submission).

gnomAD v4.1: 4 of 1,614,146 alleles (0.00025%); highest among the groups gnomAD compares: Non-Finnish European, 0.00034%; no homozygotes.

Submission:

Labcorp Genetics (formerly Invitae), Labcorp
Classification: Uncertain significance. Last evaluated: 2020-12-31. Review status: criteria provided, single submitter. Criteria: Invitae Variant Classification Sherloc (09022015). Collection method: clinical testing. Allele origin: germline.
Comment: This sequence change replaces methionine with isoleucine at codon 88 of the FH protein (p.Met88Ile). The methionine residue is highly conserved and there is a small physicochemical difference between methionine and isoleucine. This variant is not present in population databases (ExAC no frequency). This variant has not been reported in the literature in individuals with FH-related conditions. Advanced modeling of protein sequence and biophysical properties (such as structural, functional, and spatial information, amino acid conservation, physicochemical variation, residue mobility, and thermodynamic stability) performed at Invitae indicates that this missense variant is expected to disrupt FH protein function. In summary, the available evidence is currently insufficient to determine the role of this variant in disease. Therefore, it has been classified as a Variant of Uncertain Significance.